The following is an entry in ClinVar:

ClinVar aggregate classification (germline): Uncertain significance (1 of 4 stars; one submission).

Allele frequency attached by ClinVar (database versions not stated): ExAC 0.00001; gnomAD exomes 0.00001.
gnomAD v4.1: 17 of 1,608,032 alleles (0.0011%); highest among the groups gnomAD compares: Non-Finnish European, 0.0014%; no homozygotes.

Submission:

Labcorp Genetics (formerly Invitae), Labcorp
Classification: Uncertain significance. Last evaluated: 2022-06-08. Review status: criteria provided, single submitter. Criteria: Invitae Variant Classification Sherloc (09022015). Collection method: clinical testing. Allele origin: germline.
Comment: This sequence change replaces aspartic acid, which is acidic and polar, with asparagine, which is neutral and polar, at codon 369 of the PROM1 protein (p.Asp369Asn). In summary, the available evidence is currently insufficient to determine the role of this variant in disease. Therefore, it has been classified as a Variant of Uncertain Significance. Algorithms developed to predict the effect of missense changes on protein structure and function output the following: SIFT: "Tolerated"; PolyPhen-2: "Benign"; Align-GVGD: "Class C0". The asparagine amino acid residue is found in multiple mammalian species, which suggests that this missense change does not adversely affect protein function. This variant has not been reported in the literature in individuals affected with PROM1-related conditions. This variant is present in population databases (rs776022469, gnomAD 0.002%).

NM_006017.3(PROM1):c.1105G>A (p.Asp369Asn)

Gene: PROM1 (prominin 1; minus strand). Cytogenetic location: 4p15.32.
Variant type: single nucleotide variant.
Coding change: c.1105G>A on transcript NM_006017.3 (MANE Select); coding-DNA position 1105, G replaced by A.
Protein change: p.Asp369Asn; replaces aspartic acid 369 with asparagine.
Molecular consequence: missense variant.
Genome position (GRCh38, 1-based): chr4:16,013,311, C>T on the plus strand (G>A on the coding strand, the complement: PROM1 is on the minus strand). VCF-style: chr4-16013311-C-T. GRCh37 (hg19) VCF-style: chr4-16014934-C-T.
Other names: c.1078G>A, p.Asp360Asn (NM_001145847.2, NM_001145848.2, NM_001145851.2 and 4 more transcripts); c.1105G>A, p.Asp369Asn (NM_001145849.2, NM_001145850.2); short protein forms D360N, D369N.
Identifiers: ClinVar variation 1497868 (VCV001497868.6), dbSNP rs776022469, ClinGen allele CA2866866.